The following is an entry in ClinVar:

NM_001142864.4(PIEZO1):c.6381G>A (p.Thr2127=)

Gene: PIEZO1 (piezo type mechanosensitive ion channel component 1 (Er blood group); minus strand). Cytogenetic location: 16q24.3.
Variant type: single nucleotide variant.
Coding change: c.6381G>A on transcript NM_001142864.4 (MANE Select); coding-DNA position 6381, G replaced by A.
Protein change: p.Thr2127=; no amino-acid change (threonine 2127 retained).
Molecular consequence: synonymous variant.
Genome position (GRCh38, 1-based): chr16:88,719,664, C>T on the plus strand (G>A on the coding strand, the complement: PIEZO1 is on the minus strand). VCF-style: chr16-88719664-C-T. GRCh37 (hg19) VCF-style: chr16-88786072-C-T.
Other names: c.4923G>A, p.Thr1641= (NM_014745.1).
Identifiers: ClinVar variation 2646987 (VCV002646987.24), dbSNP rs558902378, ClinGen allele CA8231643.

ClinVar aggregate classification (germline): Likely benign (1 of 4 stars; one submission).

Allele frequency attached by ClinVar (database versions not stated): 1000 Genomes Project 0.00020; 1000 Genomes Project 30x 0.00031.
gnomAD v4.1: 41 of 1,553,890 alleles (0.0026%); highest among the groups gnomAD compares: Admixed American, 0.0058%; no homozygotes.

Submission:

CeGaT Center for Human Genetics Tuebingen
Classification: Likely benign. Last evaluated: 2023-01-01. Review status: criteria provided, single submitter. Criteria: CeGaT Center For Human Genetics Tuebingen Variant Classification Criteria Version 2. Collection method: clinical testing. Allele origin: germline. Affected: yes. Observed: 1 variant allele.
Comment: PIEZO1: BP4, BP7